The following is an entry in ClinVar:

ClinVar aggregate classification (germline): Uncertain significance. Review status: criteria provided, multiple submitters, no conflicts (2 of 4 stars). 2 submissions from 2 submitters: Uncertain significance (2). Last evaluated 2023-12-07.

Conditions:
Intellectual developmental disorder, autosomal dominant 22. Also called: Intellectual disability, autosomal dominant 22. Identifiers: MedGen CN029689, MONDO:0012869, OMIM 612337.

Submissions (2):

3billion
Classification: Uncertain significance for Intellectual developmental disorder, autosomal dominant 22. Last evaluated: 2023-12-07. Review status: criteria provided, single submitter. Criteria: ACMG Guidelines, 2015. Collection method: clinical testing. Allele origin: germline. Affected: yes.
Comment: The variant is not observed in the gnomAD v2.1.1 dataset. Predicted Consequence/Location: Missense variant In silico tool predictions suggest damaging effect of the variant on gene or gene product [REVEL: 0.84 (>=0.6, sensitivity 0.68 and specificity 0.92)]. Therefore, this variant is classified as VUS according to the recommendation of ACMG/AMP guideline.

Laboratorio de Genetica e Diagnostico Molecular, Hospital Israelita Albert Einstein
Classification: Uncertain significance for Intellectual developmental disorder, autosomal dominant 22. Last evaluated: 2023-01-20. Review status: criteria provided, single submitter. Criteria: ACMG Guidelines, 2015. Collection method: clinical testing. Allele origin: germline. Affected: yes. Observed: 1 variant allele.
Comment: ACMG classification criteria: PM2 moderated, PP2 supporting, PP3 supporting

NM_205768.3(ZBTB18):c.80G>C (p.Arg27Thr)

Gene: ZBTB18 (zinc finger and BTB domain containing 18; plus strand). Cytogenetic location: 1q44.
Variant type: single nucleotide variant.
Coding change: c.80G>C on transcript NM_205768.3 (MANE Select); coding-DNA position 80, G replaced by C.
Protein change: p.Arg27Thr; replaces arginine 27 with threonine.
Molecular consequence: missense variant.
Genome position (GRCh38, 1-based): chr1:244,053,854, G>C. VCF-style: chr1-244053854-G-C. GRCh37 (hg19) VCF-style: chr1-244217156-G-C.
Other names: c.53G>C, p.Arg18Thr (NM_001278196.2, NM_006352.5); short protein forms R18T, R27T.
Identifiers: ClinVar variation 2431741 (VCV002431741.2), dbSNP rs2527554683, ClinGen allele CA345672085.
Genomic context (GRCh38, chr1:244,053,854, plus strand): 5'-AAGACAGTATGGAGTTTCCAGACCATAGTAGACATTTGCTACAGTGTCTGAGCGAGCAGA[G>C]ACACCAGGGTTTTCTTTGTGACTGCACTGTTCTGGTGGGAGATGCCCAGTTCCGAGCGCA-3'
Protein context (NP_991331.1, residues 17-37): RHLLQCLSEQ[Arg27Thr]HQGFLCDCTV